The following is an entry in ClinVar:

NM_014314.4(RIGI):c.1889C>T (p.Thr630Ile)

Gene: RIGI (RNA sensor RIG-I; minus strand). Cytogenetic location: 9p21.1.
Variant type: single nucleotide variant.
Coding change: c.1889C>T on transcript NM_014314.4 (MANE Select); coding-DNA position 1889, C replaced by T.
Protein change: p.Thr630Ile; replaces threonine 630 with isoleucine.
Molecular consequence: missense variant.
Genome position (GRCh38, 1-based): chr9:32,477,017, G>A on the plus strand (C>T on the coding strand, the complement: RIGI is on the minus strand). VCF-style: chr9-32477017-G-A. GRCh37 (hg19) VCF-style: chr9-32477015-G-A.
Other names: c.1889C>T (NM_014314.3); c.1883C>T, p.Thr628Ile (NM_001385907.1); c.1889C>T, p.Thr630Ile (NM_001385909.1); c.1448C>T, p.Thr483Ile (NM_001385910.1); c.1280C>T, p.Thr427Ile (NM_001385912.1); c.1874C>T, p.Thr625Ile (NM_001385913.1); c.1445C>T, p.Thr482Ile (NM_001385914.1); short protein forms T483I, T427I, T482I, T625I, T628I, T630I.
Identifiers: ClinVar variation 1429384 (VCV001429384.3), dbSNP rs146844137, ClinGen allele CA5019650.

ClinVar aggregate classification (germline): Uncertain significance. Review status: criteria provided, multiple submitters, no conflicts (2 of 4 stars). 2 submissions from 2 submitters: Uncertain significance (2). Last evaluated 2025-08-24.

Conditions:
Inborn genetic diseases. Identifiers: MedGen C0950123, MeSH D030342.

Allele frequency attached by ClinVar (database versions not stated): gnomAD exomes below 0.00001 and 0.00001; ExAC 0.00001; TOPMed 0.00005; ESP Exome Variant Server 0.00015; gnomAD 0.00003 and 0.00004.
gnomAD v4.1: 6 of 1,613,898 alleles (0.00037%); highest among the groups gnomAD compares: African/African-American, 0.008%; no homozygotes.

Submissions (2):

Ambry Genetics
Classification: Uncertain significance for Inborn genetic diseases. Last evaluated: 2025-08-24. Review status: criteria provided, single submitter. Criteria: Ambry Variant Classification Scheme 2023. Collection method: clinical testing. Allele origin: germline.

Labcorp Genetics (formerly Invitae), Labcorp
Classification: Uncertain significance. Last evaluated: 2021-10-22. Review status: criteria provided, single submitter. Criteria: Invitae Variant Classification Sherloc (09022015). Collection method: clinical testing. Allele origin: germline.
Comment: This sequence change replaces threonine, which is neutral and polar, with isoleucine, which is neutral and non-polar, at codon 630 of the DDX58 protein (p.Thr630Ile). This variant is present in population databases (rs146844137, gnomAD 0.01%). This variant has not been reported in the literature in individuals affected with DDX58-related conditions. Algorithms developed to predict the effect of missense changes on protein structure and function output the following: SIFT: "Tolerated"; PolyPhen-2: "Benign"; Align-GVGD: "Class C0". The isoleucine amino acid residue is found in multiple mammalian species, which suggests that this missense change does not adversely affect protein function. In summary, the available evidence is currently insufficient to determine the role of this variant in disease. Therefore, it has been classified as a Variant of Uncertain Significance.